The following is an entry in ClinVar:

NM_005557.4(KRT16):c.746C>T (p.Ala249Val)

Gene: KRT16 (keratin 16; minus strand). Cytogenetic location: 17q21.2.
Variant type: single nucleotide variant.
Coding change: c.746C>T on transcript NM_005557.4 (MANE Select); coding-DNA position 746, C replaced by T.
Protein change: p.Ala249Val; replaces alanine 249 with valine.
Molecular consequence: missense variant.
Genome position (GRCh38, 1-based): chr17:41,611,370, G>A on the plus strand (C>T on the coding strand, the complement: KRT16 is on the minus strand). VCF-style: chr17-41611370-G-A. GRCh37 (hg19) VCF-style: chr17-39767622-G-A.
Other names: short protein forms A249V.
Identifiers: ClinVar variation 728097 (VCV000728097.10), dbSNP rs373296526, ClinGen allele CA8563147.
Genomic context (GRCh38, chr17:41,611,370, plus strand): 5'-CAGCCTCCCACCCCGGAAGCCAGCAGCGACCGTACCTCCTCGTGGTTCTTCCTCAGGTAG[G>A]CCAGCTCCTCCTTCAGGCCTTCGATCTGCATCTCCAGGTCAGTCCTGGCCAGGGTCAGCT-3'
Protein context (NP_005548.2, residues 239-259): MQIEGLKEEL[Ala249Val]YLRKNHEEEM

ClinVar aggregate classification (germline): Likely benign. Review status: criteria provided, single submitter (1 of 4 stars). 2 submissions from 2 submitters: Likely benign (1). 1 of the submissions does not count toward it. Last evaluated 2025-09-11.

Conditions:
KRT16-related disorder. Also called: KRT16-related condition.

Allele frequency attached by ClinVar (database versions not stated): ESP Exome Variant Server 0.00008; gnomAD 0.00015 and 0.00017; TOPMed 0.00028; ExAC 0.00044; gnomAD exomes 0.00056.

Submissions (2):

Labcorp Genetics (formerly Invitae), Labcorp
Classification: Likely benign. Last evaluated: 2025-09-11. Review status: criteria provided, single submitter. Criteria: Invitae Variant Classification Sherloc (09022015). Collection method: clinical testing. Allele origin: germline.

PreventionGenetics, part of Exact Sciences
Classification: Benign for KRT16-related condition. Last evaluated: 2020-06-29. Review status: no assertion criteria provided. Collection method: clinical testing. Allele origin: germline. Not counted in ClinVar's aggregate classification.
Comment: This variant is classified as benign based on ACMG/AMP sequence variant interpretation guidelines (Richards et al. 2015 PMID: 25741868, with internal and published modifications).